The following is an entry in ClinVar:

NM_000168.6(GLI3):c.1463C>T (p.Ala488Val)

Gene: GLI3 (GLI family zinc finger 3; minus strand). Cytogenetic location: 7p14.1.
Variant type: single nucleotide variant.
Coding change: c.1463C>T on transcript NM_000168.6 (MANE Select); coding-DNA position 1463, C replaced by T.
Protein change: p.Ala488Val; replaces alanine 488 with valine.
Molecular consequence: missense variant.
Genome position (GRCh38, 1-based): chr7:42,023,502, G>A on the plus strand (C>T on the coding strand, the complement: GLI3 is on the minus strand). VCF-style: chr7-42023502-G-A. GRCh37 (hg19) VCF-style: chr7-42063101-G-A.
Other names: c.1463C>T (NM_000168.5); short protein forms A488V.
Identifiers: ClinVar variation 2414391 (VCV002414391.9), dbSNP rs750911975, ClinGen allele CA4230839.

ClinVar aggregate classification (germline): Likely benign. Review status: criteria provided, multiple submitters, no conflicts (2 of 4 stars). 2 submissions from 2 submitters: Likely benign (2). Last evaluated 2026-01-13.

Conditions:
GLI3-related disorder. Also called: GLI3-related disorders; GLI3-related condition. Identifiers: MedGen CN239292.
Greig cephalopolysyndactyly syndrome (GCPS). Also called: POLYSYNDACTYLY WITH PECULIAR SKULL SHAPE; Greig syndrome; GLI3-Related Greig Cephalopolysyndactyly Syndrome. Identifiers: Orphanet 380, MedGen C0265306, MONDO:0008287, OMIM 175700.
Pallister-Hall syndrome (PHS). Also called: GLI3-Related Pallister-Hall Syndrome; HYPOTHALAMIC HAMARTOBLASTOMA, HYPOPITUITARISM, IMPERFORATE ANUS, AND POSTAXIAL POLYDACTYLY. Identifiers: Orphanet 672, MedGen C0265220, MONDO:0007804, OMIM 146510.

Allele frequency attached by ClinVar (database versions not stated): ExAC 0.00003; gnomAD 0.00012; TOPMed 0.00031.
gnomAD v4.1: 49 of 1,613,906 alleles (0.003%); highest among the groups gnomAD compares: Admixed American, 0.055%; no homozygotes.

Submissions (2):

Labcorp Genetics (formerly Invitae), Labcorp
Classification: Likely benign for Pallister-Hall syndrome; Greig cephalopolysyndactyly syndrome. Last evaluated: 2026-01-13. Review status: criteria provided, single submitter. Criteria: Invitae Variant Classification Sherloc (09022015). Collection method: clinical testing. Allele origin: germline.

PreventionGenetics, part of Exact Sciences
Classification: Likely benign for GLI3-related condition. Last evaluated: 2025-05-25. Review status: criteria provided, single submitter. Criteria: ACMG Guidelines, 2015. Collection method: clinical testing. Allele origin: germline.
Comment: This variant is classified as likely benign based on ACMG/AMP sequence variant interpretation guidelines (Richards et al. 2015 PMID: 25741868, with internal and published modifications).